The following is an entry in ClinVar:

ClinVar aggregate classification (germline): Uncertain significance. Review status: criteria provided, multiple submitters, no conflicts (2 of 4 stars). 2 submissions from 2 submitters: Uncertain significance (2). Last evaluated 2023-02-22.

Conditions:
Inborn genetic diseases. Identifiers: MedGen C0950123, MeSH D030342.

Allele frequency attached by ClinVar (database versions not stated): gnomAD 0.00003; TOPMed 0.00004; gnomAD exomes 0.00005; ExAC 0.00008.
gnomAD v4.1: 79 of 1,613,300 alleles (0.0049%); highest among the groups gnomAD compares: Middle Eastern, 0.034%; no homozygotes.

Submissions (2):

Ambry Genetics
Classification: Uncertain significance for Inborn genetic diseases. Last evaluated: 2023-02-22. Review status: criteria provided, single submitter. Criteria: Ambry Variant Classification Scheme 2023. Collection method: clinical testing. Allele origin: germline.

Labcorp Genetics (formerly Invitae), Labcorp
Classification: Uncertain significance. Last evaluated: 2022-09-01. Review status: criteria provided, single submitter. Criteria: Invitae Variant Classification Sherloc (09022015). Collection method: clinical testing. Allele origin: germline.
Comment: This sequence change replaces alanine, which is neutral and non-polar, with valine, which is neutral and non-polar, at codon 3160 of the DNAH9 protein (p.Ala3160Val). This variant is present in population databases (rs770572516, gnomAD 0.006%). This variant has not been reported in the literature in individuals affected with DNAH9-related conditions. Algorithms developed to predict the effect of missense changes on protein structure and function are either unavailable or do not agree on the potential impact of this missense change (SIFT: "Deleterious"; PolyPhen-2: "Probably Damaging"; Align-GVGD: "Class C0"). In summary, the available evidence is currently insufficient to determine the role of this variant in disease. Therefore, it has been classified as a Variant of Uncertain Significance.

NM_001372.4(DNAH9):c.9479C>T (p.Ala3160Val)

Gene: DNAH9 (dynein axonemal heavy chain 9; plus strand). Cytogenetic location: 17p12.
Variant type: single nucleotide variant.
Coding change: c.9479C>T on transcript NM_001372.4 (MANE Select); coding-DNA position 9479, C replaced by T.
Protein change: p.Ala3160Val; replaces alanine 3160 with valine.
Molecular consequence: missense variant.
Genome position (GRCh38, 1-based): chr17:11,834,870, C>T. VCF-style: chr17-11834870-C-T. GRCh37 (hg19) VCF-style: chr17-11738187-C-T.
Other names: c.9479C>T (NM_001372.3); short protein forms A3160V.
Identifiers: ClinVar variation 2174345 (VCV002174345.3), dbSNP rs770572516, ClinGen allele CA8397232.